The following is an entry in ClinVar:

ClinVar aggregate classification (germline): Uncertain significance. Review status: criteria provided, multiple submitters, no conflicts (2 of 4 stars). 2 submissions from 2 submitters: Uncertain significance (2). Last evaluated 2025-01-17.

Conditions:
MIRAGE syndrome. Also called: MYELODYSPLASIA, INFECTION, RESTRICTION OF GROWTH, ADRENAL HYPOPLASIA, GENITAL PHENOTYPES, AND ENTEROPATHY. Identifiers: Orphanet 494433, MedGen C4284088, MONDO:0014888, OMIM 617053.
Inborn genetic diseases. Identifiers: MedGen C0950123, MeSH D030342.

Allele frequency attached by ClinVar (database versions not stated): gnomAD exomes below 0.00001; TOPMed below 0.00001.
gnomAD v4.1: 1 of 1,613,860 alleles (0.000062%); highest among the groups gnomAD compares: African/African-American, 0.0013%; no homozygotes.

Submissions (2):

Ambry Genetics
Classification: Uncertain significance for Inborn genetic diseases. Last evaluated: 2025-01-17. Review status: criteria provided, single submitter. Criteria: Ambry Variant Classification Scheme 2023. Collection method: clinical testing. Allele origin: germline.

Diagnostics Services (NGS), CSIR - Centre For Cellular And Molecular Biology
Classification: Uncertain significance for MIRAGE syndrome. Last evaluated: 2022-04-18. Review status: criteria provided, single submitter. Criteria: ACMG Guidelines, 2015. Collection method: clinical testing. Allele origin: unknown. Inheritance: Autosomal dominant inheritance. Affected: yes. Observed: 1 variant allele, 1 heterozygote.
Comment: The c.843G>C variant is not present in publicly available population databases like 1000 Genomes, Exome Variant Server (EVS), Exome Aggregation Consortium (ExAC), Genome Aggregation Database (gnomAD) and Indian Exome Database. The variant is not present in our in-house exome database. The variant was not previously reported to ClinVar, Human Genome Mutation Database (HGMD) and/or OMIM databases, in any affected individuals. In-silico pathogenicity prediction programs like SIFT, PolyPhen-2, CADD etc. predicted this variant to be likely deleterious, however these predictions were not confirmed by any established or published functional studies.

Literature cited by the submitters: PubMed 27182967 (cited by Diagnostics Services (NGS), CSIR - Centre For Cellular And Molecular Biology).

NM_017654.4(SAMD9):c.843G>C (p.Lys281Asn)

Gene: SAMD9 (sterile alpha motif domain containing 9; minus strand). Cytogenetic location: 7q21.2.
Variant type: single nucleotide variant.
Coding change: c.843G>C on transcript NM_017654.4 (MANE Select); coding-DNA position 843, G replaced by C.
Protein change: p.Lys281Asn; replaces lysine 281 with asparagine.
Molecular consequence: missense variant.
Genome position (GRCh38, 1-based): chr7:93,105,255, C>G on the plus strand (G>C on the coding strand, the complement: SAMD9 is on the minus strand). VCF-style: chr7-93105255-C-G. GRCh37 (hg19) VCF-style: chr7-92734568-C-G.
Other names: c.843G>C (NM_017654.3); c.843G>C, p.Lys281Asn (NM_001193307.2); short protein forms K281N.
Identifiers: ClinVar variation 1691291 (VCV001691291.5), dbSNP rs1791615248, ClinGen allele CA368203645.